The following is an entry in ClinVar:

ClinVar aggregate classification (germline): Pathogenic/Likely pathogenic. Review status: criteria provided, multiple submitters, no conflicts (2 of 4 stars). 4 submissions from 4 submitters: Pathogenic (2); Likely pathogenic (2). Last evaluated 2025-08-04.

Conditions:
Leber congenital amaurosis (LCA). Also called: Leber's amaurosis. Identifiers: Orphanet 65, MedGen C0339527, MeSH D057130, MONDO:0018998.
CEP290-related ciliopathy. Also called: CEP290 ciliopathy. Identifiers: MedGen CN305601, MONDO:0100451.
Bardet-Biedl syndrome 14 (BBS14). Identifiers: Orphanet 110, MedGen C2673874, MONDO:0014442, OMIM 615991.
Meckel-Gruber syndrome. Also called: Dysencephalia splachnocystica; DYSENCEPHALIA SPLANCHNOCYSTICA; GRUBER SYNDROME. Identifiers: Orphanet 564, MedGen C0265215, MONDO:0018921.
Joubert syndrome. Also called: JOUBERT-BOLTSHAUSER SYNDROME; Familial aplasia of the vermis. Identifiers: Orphanet 475, MedGen C5979921, MONDO:0018772.
Nephronophthisis. Also called: Juvenile Nephronophthisis. Identifiers: Orphanet 655, MedGen C0687120, MONDO:0019005, HP:0000090.

Allele frequency attached by ClinVar (database versions not stated): TOPMed below 0.00001.

Submissions (4):

Myriad Genetics, Inc.
Classification: Pathogenic for CEP290-related ciliopathy. Last evaluated: 2025-08-04. Review status: criteria provided, single submitter. Criteria: Myriad Autosomal Dominant, Autosomal Recessive and X-Linked Classification Criteria (2023). Collection method: clinical testing. Allele origin: unknown.
Comment: NM_025114.3(CEP290):c.626delC(S209Lfs*17) is expected to be pathogenic in the context of CEP290-related disorders. This variant is predicted to lead to an abnormal or absent protein product due to the creation of a premature termination codon in CEP290, a gene where loss-of-function variants are known to be pathogenic. Please note: this variant was assessed in the context of healthy population screening.

Natera, Inc.
Classification: Likely pathogenic for Leber congenital amaurosis. Last evaluated: 2024-09-04. Review status: criteria provided, single submitter. Criteria: Natera Variant Classification Schema (03/2026). Collection method: clinical testing. Allele origin: germline.
Comment: The c.626del variant in CEP290 is a frameshift variant predicted to shift the reading frame beginning at codon 209 and leads to a stop codon 17 codons downstream. This variant is expected to result in nonsense mediated decay, truncation, or a dysfunctional protein product. This variant is rare in the general population with a frequency below the threshold expected for the associated phenotype(s). Given the available evidence, this variant is classified as Likely Pathogenic.

Labcorp Genetics (formerly Invitae), Labcorp
Classification: Pathogenic for Joubert syndrome; Meckel-Gruber syndrome; Nephronophthisis. Last evaluated: 2024-02-19. Review status: criteria provided, single submitter. Criteria: Invitae Variant Classification Sherloc (09022015). Collection method: clinical testing. Allele origin: germline.
Comment: This sequence change creates a premature translational stop signal (p.Ser209Leufs*17) in the CEP290 gene. It is expected to result in an absent or disrupted protein product. Loss-of-function variants in CEP290 are known to be pathogenic (PMID: 16909394, 17345604, 20690115). This variant is not present in population databases (gnomAD no frequency). This variant has not been reported in the literature in individuals affected with CEP290-related conditions. For these reasons, this variant has been classified as Pathogenic.

Baylor Genetics
Classification: Likely pathogenic for Bardet-Biedl syndrome 14. Last evaluated: 2023-07-03. Review status: criteria provided, single submitter. Criteria: ACMG Guidelines, 2015. Collection method: clinical testing. Allele origin: unknown.

Literature cited by the submitters: PubMed 16909394 (cited by Labcorp Genetics (formerly Invitae), Labcorp); PubMed 17345604 (cited by Labcorp Genetics (formerly Invitae), Labcorp); PubMed 20690115 (cited by Labcorp Genetics (formerly Invitae), Labcorp).

NM_025114.4(CEP290):c.626del (p.Ser209fs)

Gene: CEP290 (centrosomal protein 290; minus strand). Cytogenetic location: 12q21.32.
Variant type: Deletion.
Coding change: c.626del on transcript NM_025114.4 (MANE Select); coding-DNA position 626, one base deleted (C; older notation c.626delC).
Protein change: p.Ser209fs; shifts the reading frame from serine 209.
Molecular consequence: frameshift variant.
Genome position (GRCh38, 1-based): chr12:88,130,311, G deleted on the plus strand (C on the coding strand, the reverse complement: CEP290 is on the minus strand). VCF-style (leftmost placement, unchanged base first): chr12-88130310-AG-A. GRCh37 (hg19) VCF-style: chr12-88524087-AG-A.
Other names: c.626del (NM_025114.3); short protein forms S209fs.
Identifiers: ClinVar variation 2680605 (VCV002680605.5), dbSNP rs2039987359, ClinGen allele CA2052923116.